The following is an entry in ClinVar:

NM_001130823.3(DNMT1):c.3532G>C (p.Asp1178His)

Gene: DNMT1 (DNA methyltransferase 1; minus strand). Cytogenetic location: 19p13.2.
Variant type: single nucleotide variant.
Coding change: c.3532G>C on transcript NM_001130823.3 (MANE Select); coding-DNA position 3532, G replaced by C.
Protein change: p.Asp1178His; replaces aspartic acid 1178 with histidine.
Molecular consequence: missense variant.
Genome position (GRCh38, 1-based): chr19:10,140,320, C>G on the plus strand (G>C on the coding strand, the complement: DNMT1 is on the minus strand). VCF-style: chr19-10140320-C-G. GRCh37 (hg19) VCF-style: chr19-10250996-C-G.
Other names: c.3484G>C, p.Asp1162His (NM_001318730.2, NM_001379.4); c.3169G>C, p.Asp1057His (NM_001318731.2); short protein forms D1162H, D1178H, D1057H.
Identifiers: ClinVar variation 1933139 (VCV001933139.5), dbSNP rs776723837, ClinGen allele CA9187711.

ClinVar aggregate classification (germline): Uncertain significance (1 of 4 stars; one submission).

Conditions:
Hereditary sensory neuropathy-deafness-dementia syndrome. Also called: HSN IE; Hereditary sensory neuropathy type IE; NEUROPATHY, HEREDITARY SENSORY, WITH HEARING LOSS AND DEMENTIA; Hereditary Sensory and Autonomic Neuropathy Type 1E (HSAN1E). Identifiers: Orphanet 456318, MedGen C3279885, MONDO:0013584, OMIM 614116.

Allele frequency attached by ClinVar (database versions not stated): gnomAD exomes below 0.00001; TOPMed below 0.00001; gnomAD 0.00001; ExAC 0.00002.
gnomAD v4.1: 5 of 1,613,566 alleles (0.00031%); highest among the groups gnomAD compares: Admixed American, 0.0017%; no homozygotes.

Submission:

Labcorp Genetics (formerly Invitae), Labcorp
Classification: Uncertain significance for Hereditary sensory neuropathy-deafness-dementia syndrome. Last evaluated: 2026-01-05. Review status: criteria provided, single submitter. Criteria: Invitae Variant Classification Sherloc (09022015). Collection method: clinical testing. Allele origin: germline.
Comment: This sequence change replaces aspartic acid, which is acidic and polar, with histidine, which is basic and polar, at codon 1178 of the DNMT1 protein (p.Asp1178His). This variant is present in population databases (rs776723837, gnomAD 0.006%). This variant has not been reported in the literature in individuals affected with DNMT1-related conditions. ClinVar contains an entry for this variant (Variation ID: 1933139). Invitae Evidence Modeling of protein sequence and biophysical properties (such as structural, functional, and spatial information, amino acid conservation, physicochemical variation, residue mobility, and thermodynamic stability) indicates that this missense variant is not expected to disrupt DNMT1 protein function with a negative predictive value of 80%. In summary, the available evidence is currently insufficient to determine the role of this variant in disease. Therefore, it has been classified as a Variant of Uncertain Significance.